The following is an entry in ClinVar:

ClinVar aggregate classification (germline): Uncertain significance. Review status: criteria provided, multiple submitters, no conflicts (2 of 4 stars). 2 submissions from 2 submitters: Uncertain significance (2). Last evaluated 2025-04-13.

Conditions:
Inborn genetic diseases. Identifiers: MedGen C0950123, MeSH D030342.

Allele frequency attached by ClinVar (database versions not stated): gnomAD 0.00001; gnomAD exomes 0.00001.

Submissions (2):

Ambry Genetics
Classification: Uncertain significance for Inborn genetic diseases. Last evaluated: 2025-04-13. Review status: criteria provided, single submitter. Criteria: Ambry Variant Classification Scheme 2023. Collection method: clinical testing. Allele origin: germline.

Labcorp Genetics (formerly Invitae), Labcorp
Classification: Uncertain significance. Last evaluated: 2024-09-10. Review status: criteria provided, single submitter. Criteria: Invitae Variant Classification Sherloc (09022015). Collection method: clinical testing. Allele origin: germline.
Comment: This sequence change replaces glycine, which is neutral and non-polar, with glutamic acid, which is acidic and polar, at codon 1546 of the COL7A1 protein (p.Gly1546Glu). This variant is not present in population databases (gnomAD no frequency). This variant has not been reported in the literature in individuals affected with COL7A1-related conditions. ClinVar contains an entry for this variant (Variation ID: 1931118). Experimental studies and prediction algorithms are not available or were not evaluated, and the functional significance of this variant is currently unknown. In summary, the available evidence is currently insufficient to determine the role of this variant in disease. Therefore, it has been classified as a Variant of Uncertain Significance.

NM_000094.4(COL7A1):c.4637G>A (p.Gly1546Glu)

Gene: COL7A1 (collagen type VII alpha 1 chain; minus strand). Cytogenetic location: 3p21.31.
Variant type: single nucleotide variant.
Coding change: c.4637G>A on transcript NM_000094.4 (MANE Select); coding-DNA position 4637, G replaced by A.
Protein change: p.Gly1546Glu; replaces glycine 1546 with glutamic acid.
Molecular consequence: missense variant.
Genome position (GRCh38, 1-based): chr3:48,581,942, C>T on the plus strand (G>A on the coding strand, the complement: COL7A1 is on the minus strand). VCF-style: chr3-48581942-C-T. GRCh37 (hg19) VCF-style: chr3-48619375-C-T.
Other names: short protein forms G1546E.
Identifiers: ClinVar variation 1931118 (VCV001931118.5), dbSNP rs2044789800, ClinGen allele CA352686687.